The following is an entry in ClinVar:

ClinVar aggregate classification (germline): Uncertain significance (1 of 4 stars; one submission).

Allele frequency attached by ClinVar (database versions not stated): gnomAD exomes below 0.00001.
gnomAD v4.1: 1 of 1,614,050 alleles (0.000062%); no homozygotes.

Submission:

Labcorp Genetics (formerly Invitae), Labcorp
Classification: Uncertain significance. Last evaluated: 2022-07-05. Review status: criteria provided, single submitter. Criteria: Invitae Variant Classification Sherloc (09022015). Collection method: clinical testing. Allele origin: germline.
Comment: In summary, the available evidence is currently insufficient to determine the role of this variant in disease. Therefore, it has been classified as a Variant of Uncertain Significance. Algorithms developed to predict the effect of missense changes on protein structure and function are either unavailable or do not agree on the potential impact of this missense change (SIFT: "Tolerated"; PolyPhen-2: "Probably Damaging"; Align-GVGD: "Class C0"). ClinVar contains an entry for this variant (Variation ID: 1009454). This variant has not been reported in the literature in individuals affected with THBD-related conditions. This variant is present in population databases (no rsID available, gnomAD 0.003%). This sequence change replaces glycine, which is neutral and non-polar, with arginine, which is basic and polar, at codon 436 of the THBD protein (p.Gly436Arg).

NM_000361.3(THBD):c.1306G>C (p.Gly436Arg)

Gene: THBD (thrombomodulin; minus strand). Cytogenetic location: 20p11.21.
Variant type: single nucleotide variant.
Coding change: c.1306G>C on transcript NM_000361.3 (MANE Select); coding-DNA position 1306, G replaced by C.
Protein change: p.Gly436Arg; replaces glycine 436 with arginine.
Molecular consequence: missense variant.
Genome position (GRCh38, 1-based): chr20:23,048,199, C>G on the plus strand (G>C on the coding strand, the complement: THBD is on the minus strand). VCF-style: chr20-23048199-C-G. GRCh37 (hg19) VCF-style: chr20-23028836-C-G.
Other names: short protein forms G436R.
Identifiers: ClinVar variation 1009454 (VCV001009454.8), dbSNP rs866190947, ClinGen allele CA408405803.